The following is an entry in ClinVar:

NM_000277.3(PAH):c.907del (p.Ser303fs)

Genes: PAH (phenylalanine hydroxylase; minus strand), LOC126861615 (CDK7 strongly-dependent group 2 enhancer GRCh37_chr12:103244689-103245888; plus strand). Cytogenetic location: 12q23.2.
Variant type: Deletion.
Coding change: c.907del on transcript NM_000277.3 (MANE Select); coding-DNA position 907, one base deleted (T; older notation c.907delT).
Protein change: p.Ser303fs; shifts the reading frame from serine 303.
Molecular consequence: frameshift variant.
Genome position (GRCh38, 1-based): chr12:102,851,692, A deleted on the plus strand (T on the coding strand, the reverse complement: PAH is on the minus strand); the first of 4 consecutive A bases (chr12:102,851,692-102,851,695); deleting any one gives the same sequence. VCF-style (leftmost placement, unchanged base first): chr12-102851691-GA-G. GRCh37 (hg19) VCF-style: chr12-103245469-GA-G.
Other names: c.907del, p.Ser303fs (NM_001354304.2); c.907delT (NM_000277.2); short protein forms S303fs.
Identifiers: ClinVar variation 102888 (VCV000102888.12), dbSNP rs62642920, ClinGen allele CA229840.

ClinVar aggregate classification (germline): Pathogenic. Review status: reviewed by expert panel (3 of 4 stars). 7 submissions from 7 submitters: Pathogenic (1). 6 of the submissions do not count toward it. Last evaluated 2019-04-04.

Conditions:
Phenylketonuria (PKU). Also called: Phenylketonuria (PKU); FOLLING DISEASE; OLIGOPHRENIA PHENYLPYRUVICA; Phenylketonurias. Identifiers: Orphanet 716, MedGen C0031485, MONDO:0009861, OMIM 261600. Disease mechanism: loss of function.

Submissions (7):

ClinGen PAH Variant Curation Expert Panel
Classification: Pathogenic for Phenylketonuria. Last evaluated: 2019-04-04. Review status: reviewed by expert panel. Criteria: ClinGen PAH ACMG Specifications v1. Collection method: curation. Allele origin: germline. Inheritance: Autosomal recessive inheritance.
Comment: The c.904delT (p.Ser303Profs*38) variant in PAH has been observed in at least one patient with classic PKU (plasma phenylalanine greater than 1200 micromolar) with a known pathogenic variant p.Ser70del (PMID:16256386). This variant is absent in population databases including: 1000 Genomes, ESP, and extremely low in gnomAD. This is a single base pair deletion that creates a frameshift in exon 9 and is predicted to undergo nonsense mediated decay with the truncated region critical to protein function. In summary, this variant meets criteria to be classified as pathogenic for PAH. PAH-specific ACMG/AMP criteria applied: PVS1, PM2, PM3, PP4.

Myriad Genetics, Inc.
Classification: Pathogenic for Phenylketonuria. Last evaluated: 2026-04-30. Review status: criteria provided, single submitter. Criteria: Myriad Autosomal Dominant, Autosomal Recessive and X-Linked Classification Criteria (2023). Collection method: clinical testing. Allele origin: unknown. Not counted in ClinVar's aggregate classification.
Comment: NM_000277.1(PAH):c.907delT(S303Pfs*38) is a frameshift variant classified as pathogenic in the context of phenylalanine hydroxylase deficiency. S303Pfs*38 has been observed in cases with relevant disease (PMID: 16256386, 24401910, 35095998, 36845377). Relevant functional assessments of this variant are not available in the literature. S303Pfs*38 has not been observed in referenced population frequency databases. In summary, NM_000277.1(PAH):c.907delT(S303Pfs*38) is a frameshift variant in a gene where loss of function is a known mechanism of disease, is predicted to disrupt protein function, and has been observed more frequently in cases with the relevant disease than in healthy populations. Please note: this variant was assessed in the context of healthy population screening.

Natera, Inc.
Classification: Pathogenic for Phenylketonuria. Last evaluated: 2025-12-19. Review status: criteria provided, single submitter. Criteria: Natera Variant Classification Schema (03/2026). Collection method: clinical testing. Allele origin: germline. Not counted in ClinVar's aggregate classification.
Comment: The c.907delT variant in PAH is a frameshift variant predicted to shift the reading frame beginning at codon 303 and leads to a stop codon 38 codons downstream. This variant is expected to result in nonsense mediated decay, truncation, or a dysfunctional protein product. This variant is rare in the general population with a frequency below the threshold expected for the associated phenotype(s). This variant has been observed in one or more individuals affected with the associated recessive disease, as either homozygous or compound heterozygous with a second variant (PMID: 28982351). Given the available evidence, this variant is classified as Pathogenic.

Labcorp Genetics (formerly Invitae), Labcorp
Classification: Pathogenic for Phenylketonuria. Last evaluated: 2024-05-28. Review status: criteria provided, single submitter. Criteria: Invitae Variant Classification Sherloc (09022015). Collection method: clinical testing. Allele origin: germline. Not counted in ClinVar's aggregate classification.
Comment: This sequence change creates a premature translational stop signal (p.Ser303Profs*38) in the PAH gene. It is expected to result in an absent or disrupted protein product. Loss-of-function variants in PAH are known to be pathogenic (PMID: 1301187, 9634518). The frequency data for this variant in the population databases is considered unreliable, as metrics indicate poor data quality at this position in the gnomAD database. This premature translational stop signal has been observed in individual(s) with PAH-related conditions (PMID: 26503515, 29316886). ClinVar contains an entry for this variant (Variation ID: 102888). For these reasons, this variant has been classified as Pathogenic.

Baylor Genetics
Classification: Pathogenic for Phenylketonuria. Last evaluated: 2023-12-21. Review status: criteria provided, single submitter. Criteria: ACMG Guidelines, 2015. Collection method: clinical testing. Allele origin: unknown. Not counted in ClinVar's aggregate classification.

Juno Genomics, Hangzhou Juno Genomics, Inc
Classification: Pathogenic for Phenylketonuria. Review status: criteria provided, single submitter. Criteria: ACMG Guidelines, 2015. Collection method: clinical testing. Allele origin: germline. Affected: yes. Not counted in ClinVar's aggregate classification.
Comment: Null variant in a gene where loss of function (LOF) is a known mechanism of disease.;Absent from controls (or at extremely low frequency if recessive) in Genome Aggregation Database, Exome Sequencing Project, 1000 Genomes Project, or Exome Aggregation Consortium.;For recessive disorders, detected in trans with a pathogenic variant.

DeBelle Laboratory for Biochemical Genetics, MUHC/MCH RESEARCH INSTITUTE
No classification provided. Review status: no classification provided. Collection method: not provided. Allele origin: not provided. Not counted in ClinVar's aggregate classification.

Literature cited by the submitters: PubMed 16256386 (cited by ClinGen PAH Variant Curation Expert Panel and Myriad Genetics, Inc.); PubMed 24401910 (cited by Myriad Genetics, Inc.); PubMed 35095998 (cited by Myriad Genetics, Inc.); PubMed 36845377 (cited by Myriad Genetics, Inc.); PubMed 28982351 (cited by Natera, Inc.); PubMed 1301187 (cited by Labcorp Genetics (formerly Invitae), Labcorp); PubMed 9634518 (cited by Labcorp Genetics (formerly Invitae), Labcorp); PubMed 26503515 (cited by Labcorp Genetics (formerly Invitae), Labcorp); PubMed 29316886 (cited by Labcorp Genetics (formerly Invitae), Labcorp).